The following is an entry in ClinVar:

ClinVar aggregate classification (germline): Uncertain significance. Review status: criteria provided, multiple submitters, no conflicts (2 of 4 stars). 2 submissions from 2 submitters: Uncertain significance (2). Last evaluated 2025-10-21.

Conditions:
Cardiovascular phenotype. Identifiers: MedGen CN230736.
RASopathy. Also called: rasopathies; Noonan spectrum disorder. Identifiers: Orphanet 536391, MedGen C5555857, MONDO:0021060.

gnomAD v4.1: 4 of 1,570,066 alleles (0.00025%); highest among the groups gnomAD compares: Non-Finnish European, 0.00034%; no homozygotes.

Submissions (2):

Ambry Genetics
Classification: Uncertain significance for Cardiovascular phenotype. Last evaluated: 2025-10-21. Review status: criteria provided, single submitter. Criteria: Ambry Variant Classification Scheme 2023. Collection method: clinical testing. Allele origin: germline.
Comment: The p.I26M variant (also known as c.78T>G), located in coding exon 1 of the CBL gene, results from a T to G substitution at nucleotide position 78. The isoleucine at codon 26 is replaced by methionine, an amino acid with highly similar properties. This amino acid position is conserved. In addition, this alteration is predicted to be tolerated by in silico analysis. Based on the available evidence, the clinical significance of this variant remains unclear.

Labcorp Genetics (formerly Invitae), Labcorp
Classification: Uncertain significance for RASopathy. Last evaluated: 2025-04-21. Review status: criteria provided, single submitter. Criteria: Invitae Variant Classification Sherloc (09022015). Collection method: clinical testing. Allele origin: germline.
Comment: This sequence change replaces isoleucine, which is neutral and non-polar, with methionine, which is neutral and non-polar, at codon 26 of the CBL protein (p.Ile26Met). This variant is not present in population databases (gnomAD no frequency). This variant has not been reported in the literature in individuals affected with CBL-related conditions. ClinVar contains an entry for this variant (Variation ID: 3626801). Invitae Evidence Modeling of protein sequence and biophysical properties (such as structural, functional, and spatial information, amino acid conservation, physicochemical variation, residue mobility, and thermodynamic stability) indicates that this missense variant is not expected to disrupt CBL protein function with a negative predictive value of 95%. In summary, the available evidence is currently insufficient to determine the role of this variant in disease. Therefore, it has been classified as a Variant of Uncertain Significance.

NM_005188.4(CBL):c.78T>G (p.Ile26Met)

Genes: CBL (Cbl proto-oncogene; plus strand), LOC130006895 (ATAC-STARR-seq lymphoblastoid silent region 3975; plus strand). Cytogenetic location: 11q23.3.
Variant type: single nucleotide variant.
Coding change: c.78T>G on transcript NM_005188.4 (MANE Select); coding-DNA position 78, T replaced by G.
Protein change: p.Ile26Met; replaces isoleucine 26 with methionine.
Molecular consequence: missense variant.
Genome position (GRCh38, 1-based): chr11:119,206,495, T>G. VCF-style: chr11-119206495-T-G. GRCh37 (hg19) VCF-style: chr11-119077205-T-G.
Other names: c.78T>G (NM_005188.2); short protein forms I26M.
Identifiers: ClinVar variation 3626801 (VCV003626801.3).